The following is an entry in ClinVar:

ClinVar aggregate classification (germline): Uncertain significance (1 of 4 stars; one submission).

Conditions:
Neonatal-onset encephalopathy with rigidity and seizures. Also called: Lethal neonatal spasticity-epileptic encephalopathy syndrome. Identifiers: Orphanet 435845, MedGen C3281029, MONDO:0013784, OMIM 614498.

Submission:

Labcorp Genetics (formerly Invitae), Labcorp
Classification: Uncertain significance for Neonatal-onset encephalopathy with rigidity and seizures. Last evaluated: 2024-10-30. Review status: criteria provided, single submitter. Criteria: Invitae Variant Classification Sherloc (09022015). Collection method: clinical testing. Allele origin: germline.
Comment: This sequence change replaces alanine, which is neutral and non-polar, with valine, which is neutral and non-polar, at codon 173 of the BRAT1 protein (p.Ala173Val). This variant is not present in population databases (gnomAD no frequency). This variant has not been reported in the literature in individuals affected with BRAT1-related conditions. ClinVar contains an entry for this variant (Variation ID: 2092275). Invitae Evidence Modeling of protein sequence and biophysical properties (such as structural, functional, and spatial information, amino acid conservation, physicochemical variation, residue mobility, and thermodynamic stability) indicates that this missense variant is not expected to disrupt BRAT1 protein function with a negative predictive value of 95%. In summary, the available evidence is currently insufficient to determine the role of this variant in disease. Therefore, it has been classified as a Variant of Uncertain Significance.

NM_152743.4(BRAT1):c.518C>T (p.Ala173Val)

Gene: BRAT1 (BRCA1 associated ATM activator 1; minus strand). Cytogenetic location: 7p22.3.
Variant type: single nucleotide variant.
Coding change: c.518C>T on transcript NM_152743.4 (MANE Select); coding-DNA position 518, C replaced by T.
Protein change: p.Ala173Val; replaces alanine 173 with valine.
Molecular consequence: missense variant. On other transcripts: 5 prime UTR variant (1), non-coding transcript variant (1).
Genome position (GRCh38, 1-based): chr7:2,543,875, G>A on the plus strand (C>T on the coding strand, the complement: BRAT1 is on the minus strand). VCF-style: chr7-2543875-G-A. GRCh37 (hg19) VCF-style: chr7-2583509-G-A.
Other names: c.518C>T, p.Ala173Val (NM_001350626.2); c.-8C>T (NM_001350627.2); short protein forms A173V.
Identifiers: ClinVar variation 2092275 (VCV002092275.4), dbSNP rs2534392890, ClinGen allele CA366632324.